The following is an entry in ClinVar:

NM_020975.6(RET):c.676C>G (p.Arg226Gly)

Gene: RET (ret proto-oncogene; plus strand). Cytogenetic location: 10q11.21.
Variant type: single nucleotide variant.
Coding change: c.676C>G on transcript NM_020975.6 (MANE Select); coding-DNA position 676, C replaced by G.
Protein change: p.Arg226Gly; replaces arginine 226 with glycine.
Molecular consequence: missense variant.
Genome position (GRCh38, 1-based): chr10:43,105,002, C>G. VCF-style: chr10-43105002-C-G. GRCh37 (hg19) VCF-style: chr10-43600450-C-G.
Other names: c.676C>G, p.Arg226Gly (NM_000323.2, NM_001406743.1, NM_001406744.1 and 8 more transcripts); c.-87C>G (NM_001355216.2); c.547C>G, p.Arg183Gly (NM_001406774.1, NM_001406761.1, NM_001406762.1 and 2 more transcripts); c.388C>G, p.Arg130Gly (NM_001406766.1, NM_001406767.1, NM_001406770.1); short protein forms R130G, R183G, R226G.
Identifiers: ClinVar variation 2010434 (VCV002010434.4), dbSNP rs1455266037, ClinGen allele CA376544490.

ClinVar aggregate classification (germline): Uncertain significance (1 of 4 stars; one submission).

Conditions:
Multiple endocrine neoplasia, type 2 (MEN2). Identifiers: Orphanet 653, MedGen C4048306, MONDO:0019003. Disease mechanism: gain of function.

Submission:

Labcorp Genetics (formerly Invitae), Labcorp
Classification: Uncertain significance for Multiple endocrine neoplasia, type 2. Last evaluated: 2022-06-25. Review status: criteria provided, single submitter. Criteria: Invitae Variant Classification Sherloc (09022015). Collection method: clinical testing. Allele origin: germline.
Comment: In summary, the available evidence is currently insufficient to determine the role of this variant in disease. Therefore, it has been classified as a Variant of Uncertain Significance. Algorithms developed to predict the effect of missense changes on protein structure and function (SIFT, PolyPhen-2, Align-GVGD) all suggest that this variant is likely to be tolerated. This variant has not been reported in the literature in individuals affected with RET-related conditions. This variant is not present in population databases (gnomAD no frequency). This sequence change replaces arginine, which is basic and polar, with glycine, which is neutral and non-polar, at codon 226 of the RET protein (p.Arg226Gly).